The following is an entry in ClinVar:

ClinVar aggregate classification (germline): Uncertain significance (1 of 4 stars; one submission).

Conditions:
Maturity-onset diabetes of the young (MODY). Also called: Maturity onset diabetes mellitus in young. Identifiers: Orphanet 552, MedGen C0342276, MONDO:0018911, HP:0004904.

Submission:

Clinical Genomics, Uppaluri K&H Personalized Medicine Clinic
Classification: Uncertain significance for Maturity-onset diabetes of the young. Review status: criteria provided, single submitter. Criteria: K & H Uppaluri Personalized Medicine Clinic Variant Classification & Assertion Criteria_Updated V.1. Collection method: research. Allele origin: unknown. Inheritance: Autosomal dominant inheritance.
Comment: Potent mutations in HNF4A are associated with poor insulin secretion in response to hyperglycemia. Associated with MODY1. Patients initially respond well to sulfonylureas but eventually become insulin dependent. However, more evidence is required to ascertain the role of this particular variant rs886056694 in MODY, yet.

Literature cited by the submitters: DOI 10.1159/000334532; PubMed 18268044; PubMed 17563455; PubMed 32583173; PubMed 35052457; PubMed 35118593.

NM_175914.5(HNF4A):c.*2677dup

Gene: HNF4A (hepatocyte nuclear factor 4 alpha; plus strand). Cytogenetic location: 20q13.12.
Variant type: Duplication.
Coding change: c.*2677dup on transcript NM_175914.5 (MANE Select); 2677 bases downstream of the stop codon, one base duplicated (C; older notation c.*2677dupC).
Molecular consequence: 3 prime UTR variant.
Genome position (GRCh38, 1-based): chr20:44,432,342, C duplicated. VCF-style (leftmost placement, unchanged base first): chr20-44432341-T-TC. GRCh37 (hg19) VCF-style: chr20-43060981-T-TC.
Other names: c.*2677dup (NM_000457.6, NM_001030003.3, NM_001258355.2 and 3 more transcripts).
Identifiers: ClinVar variation 338478 (VCV000338478.6), dbSNP rs886056694, ClinGen allele CA10649754.